The following is an entry in ClinVar:

ClinVar aggregate classification (germline): Pathogenic (1 of 4 stars; one submission).

Submission:

Labcorp Genetics (formerly Invitae), Labcorp
Classification: Pathogenic. Last evaluated: 2023-06-15. Review status: criteria provided, single submitter. Criteria: Invitae Variant Classification Sherloc (09022015). Collection method: clinical testing. Allele origin: unknown.
Comment: For these reasons, this variant has been classified as Pathogenic. This variant has not been reported in the literature in individuals affected with EYS-related conditions. This variant is a gross deletion of the genomic region encompassing exon(s) 27-30 of the EYS gene. This deletion is out-of-frame, and is expected to create a premature termination codon and result in an absent or disrupted protein product. Loss-of-function variants in EYS are known to be pathogenic (PMID: 18836446, 20333770).

Literature cited by the submitters: PubMed 18836446; PubMed 20333770.

NC_000006.11:g.(?_65016843)_(65149265_?)del

Gene: EYS (eyes shut homolog; minus strand). Cytogenetic location: 6q12.
Variant type: Deletion.
Identifiers: ClinVar variation 3246113 (VCV003246113.1).